The following is an entry in ClinVar:

ClinVar aggregate classification (germline): Pathogenic/Likely pathogenic. Review status: criteria provided, multiple submitters, no conflicts (2 of 4 stars). 2 submissions from 2 submitters: Pathogenic (1); Likely pathogenic (1). Last evaluated 2022-05-27.

Conditions:
Hereditary cancer-predisposing syndrome. Also called: Tumor predisposition; Neoplastic Syndromes, Hereditary; Hereditary Cancer Syndrome; Hereditary neoplastic syndrome. Identifiers: Orphanet 140162, MedGen C0027672, MeSH D009386, MONDO:0015356.
Baller-Gerold syndrome (BGS). Also called: CRANIOSYNOSTOSIS WITH RADIAL DEFECTS. Identifiers: Orphanet 1225, MedGen C0265308, MONDO:0009039, OMIM 218600.

Submissions (2):

Labcorp Genetics (formerly Invitae), Labcorp
Classification: Pathogenic for Baller-Gerold syndrome. Last evaluated: 2022-05-27. Review status: criteria provided, single submitter. Criteria: Invitae Variant Classification Sherloc (09022015). Collection method: clinical testing. Allele origin: germline.
Comment: For these reasons, this variant has been classified as Pathogenic. Algorithms developed to predict the effect of sequence changes on RNA splicing suggest that this variant may disrupt the consensus splice site. ClinVar contains an entry for this variant (Variation ID: 406879). This variant has not been reported in the literature in individuals affected with RECQL4-related conditions. This variant is not present in population databases (gnomAD no frequency). This variant results in the deletion of part of exon 5 (c.1131_1131+3) of the RECQL4 gene. It is expected to disrupt RNA splicing. Variants that disrupt the donor or acceptor splice site typically lead to a loss of protein function (PMID: 16199547), and loss-of-function variants in RECQL4 are known to be pathogenic (PMID: 12734318, 12952869).

Sema4
Classification: Likely pathogenic for Hereditary cancer-predisposing syndrome. Last evaluated: 2020-11-11. Review status: criteria provided, single submitter. Criteria: Sema4 Curation Guidelines. Collection method: curation. Allele origin: germline.
Comment: The RECQL4 c.1131_1131+3delGGTA variant deletion has not been reported in individuals with RECQL4-related disease to the best of our knowledge. This variant deletes nucleotides within a consensus splice site of an intron and may cause exon skipping, intron retention or use of a cryptic splice site. This variant is not reported in the population database Genome Aggregation Database (PMID: 27535533). Based on the current evidence available, this variant is interpreted as likely pathogenic.

Literature cited by the submitters: PubMed 16199547 (cited by Labcorp Genetics (formerly Invitae), Labcorp); PubMed 12734318 (cited by Labcorp Genetics (formerly Invitae), Labcorp); PubMed 12952869 (cited by Labcorp Genetics (formerly Invitae), Labcorp).

NM_004260.4(RECQL4):c.1131_1131+3del

Gene: RECQL4 (RecQ like helicase 4; minus strand). Cytogenetic location: 8q24.3.
Variant type: Deletion.
Coding change: c.1131_1131+3del on transcript NM_004260.4 (MANE Select); coding-DNA position 1131 through 3 bases into the intron after coding-DNA position 1131, 4 bases deleted (GGTA; older notation c.1131_1131+3delGGTA).
Molecular consequence: splice donor variant.
Genome position (GRCh38, 1-based): chr8:144,515,985-144,515,988, TACC deleted on the plus strand (GGTA on the coding strand, the reverse complement: RECQL4 is on the minus strand); deleting any 4 consecutive bases within chr8:144,515,985-144,515,989 gives the same sequence; the c. name uses the placement nearest the transcript's 3' end. VCF-style (leftmost placement, unchanged base first): chr8-144515984-TTACC-T. GRCh37 (hg19) VCF-style: chr8-145741368-TTACC-T.
Other names: c.1131_1131+3delGGTA (NM_004260.3).
Identifiers: ClinVar variation 406879 (VCV000406879.8), dbSNP rs1060501353, ClinGen allele CA16612268.